The following is an entry in ClinVar:

ClinVar aggregate classification (germline): Uncertain significance. Review status: criteria provided, multiple submitters, no conflicts (2 of 4 stars). 2 submissions from 2 submitters: Uncertain significance (2). Last evaluated 2023-12-22.

Conditions:
Inborn genetic diseases. Identifiers: MedGen C0950123, MeSH D030342.

Allele frequency attached by ClinVar (database versions not stated): gnomAD exomes 0.00001; gnomAD 0.00004 and 0.00005; TOPMed 0.00013; 1000 Genomes Project 30x 0.00016.
gnomAD v4.1: 12 of 1,612,526 alleles (0.00074%); highest among the groups gnomAD compares: Admixed American, 0.018%; no homozygotes.

Submissions (2):

Ambry Genetics
Classification: Uncertain significance for Inborn genetic diseases. Last evaluated: 2023-12-22. Review status: criteria provided, single submitter. Criteria: Ambry Variant Classification Scheme 2023. Collection method: clinical testing. Allele origin: germline.

Labcorp Genetics (formerly Invitae), Labcorp
Classification: Uncertain significance. Last evaluated: 2022-08-02. Review status: criteria provided, single submitter. Criteria: Invitae Variant Classification Sherloc (09022015). Collection method: clinical testing. Allele origin: germline.
Comment: This sequence change replaces arginine, which is basic and polar, with threonine, which is neutral and polar, at codon 1162 of the MYO18B protein (p.Arg1162Thr). This variant is not present in population databases (gnomAD no frequency). In summary, the available evidence is currently insufficient to determine the role of this variant in disease. Therefore, it has been classified as a Variant of Uncertain Significance. Algorithms developed to predict the effect of missense changes on protein structure and function are either unavailable or do not agree on the potential impact of this missense change (SIFT: "Not Available"; PolyPhen-2: "Possibly Damaging"; Align-GVGD: "Not Available"). ClinVar contains an entry for this variant (Variation ID: 1408013). This variant has not been reported in the literature in individuals affected with MYO18B-related conditions.

NM_032608.7(MYO18B):c.3485G>C (p.Arg1162Thr)

Gene: MYO18B (myosin XVIIIB; plus strand). Cytogenetic location: 22q12.1.
Variant type: single nucleotide variant.
Coding change: c.3485G>C on transcript NM_032608.7 (MANE Select); coding-DNA position 3485, G replaced by C.
Protein change: p.Arg1162Thr; replaces arginine 1162 with threonine.
Molecular consequence: missense variant.
Genome position (GRCh38, 1-based): chr22:25,846,216, G>C. VCF-style: chr22-25846216-G-C. GRCh37 (hg19) VCF-style: chr22-26242183-G-C.
Other names: c.3488G>C, p.Arg1163Thr (NM_001318245.2); c.3485G>C (NM_032608.5); short protein forms R1163T, R1162T.
Identifiers: ClinVar variation 1408013 (VCV001408013.5), dbSNP rs938556413, ClinGen allele CA322774319.